The following is an entry in ClinVar:

NM_001611.5(ACP5):c.802A>G (p.Lys268Glu)

Gene: ACP5 (acid phosphatase 5, tartrate resistant; minus strand). Cytogenetic location: 19p13.2.
Variant type: single nucleotide variant.
Coding change: c.802A>G on transcript NM_001611.5 (MANE Select); coding-DNA position 802, A replaced by G.
Protein change: p.Lys268Glu; replaces lysine 268 with glutamic acid.
Molecular consequence: missense variant.
Genome position (GRCh38, 1-based): chr19:11,575,186, T>C on the plus strand (A>G on the coding strand, the complement: ACP5 is on the minus strand). VCF-style: chr19-11575186-T-C. GRCh37 (hg19) VCF-style: chr19-11686001-T-C.
Other names: c.802A>G, p.Lys268Glu (NM_001111034.3, NM_001111035.3, NM_001111036.3 and 1 more transcripts); short protein forms K268E.
Identifiers: ClinVar variation 2166049 (VCV002166049.3), dbSNP rs188463838, ClinGen allele CA305358540.

ClinVar aggregate classification (germline): Uncertain significance (1 of 4 stars; one submission).

Conditions:
Spondyloenchondrodysplasia with immune dysregulation (SPENCDI). Also called: COMBINED IMMUNODEFICIENCY WITH AUTOIMMUNITY AND SPONDYLOMETAPHYSEAL DYSPLASIA; SPONDYLOENCHONDRODYSPLASIA WITH OR WITHOUT IMMUNE DYSREGULATION; ROIFMAN IMMUNOSKELETAL SYNDROME. Identifiers: Orphanet 1855, MedGen C1842763, MONDO:0011939, OMIM 607944.

Allele frequency attached by ClinVar (database versions not stated): gnomAD exomes below 0.00001; gnomAD 0.00001; TOPMed 0.00002; 1000 Genomes Project 0.00020; 1000 Genomes Project 30x 0.00031.
gnomAD v4.1: 7 of 1,614,100 alleles (0.00043%); highest among the groups gnomAD compares: Admixed American, 0.0017%; no homozygotes.

Submission:

Labcorp Genetics (formerly Invitae), Labcorp
Classification: Uncertain significance for Spondyloenchondrodysplasia with immune dysregulation. Last evaluated: 2022-08-19. Review status: criteria provided, single submitter. Criteria: Invitae Variant Classification Sherloc (09022015). Collection method: clinical testing. Allele origin: germline.
Comment: In summary, the available evidence is currently insufficient to determine the role of this variant in disease. Therefore, it has been classified as a Variant of Uncertain Significance. Algorithms developed to predict the effect of missense changes on protein structure and function are either unavailable or do not agree on the potential impact of this missense change (SIFT: "Not Available"; PolyPhen-2: "Benign"; Align-GVGD: "Not Available"). This variant has not been reported in the literature in individuals affected with ACP5-related conditions. The frequency data for this variant in the population databases is considered unreliable, as metrics indicate poor data quality at this position in the gnomAD database. This sequence change replaces lysine, which is basic and polar, with glutamic acid, which is acidic and polar, at codon 268 of the ACP5 protein (p.Lys268Glu).